The following is an entry in ClinVar:

ClinVar aggregate classification (germline): Pathogenic/Likely pathogenic. Review status: criteria provided, multiple submitters, no conflicts (2 of 4 stars). 2 submissions from 2 submitters: Pathogenic (1); Likely pathogenic (1). Last evaluated 2026-05-31.

Conditions:
MYO15A-related disorder. Also called: MYO15A-related condition.

Submissions (2):

PreventionGenetics, part of Exact Sciences
Classification: Likely pathogenic for MYO15A-related condition. Last evaluated: 2026-05-31. Review status: criteria provided, single submitter. Criteria: ACMG Guidelines, 2015. Collection method: clinical testing. Allele origin: germline.
Comment: The MYO15A c.574dupC variant is predicted to result in a frameshift and premature protein termination (p.Arg192Profs*36). To our knowledge, this variant has not been reported in the literature. This variant is reported in 0.018% of alleles in individuals of Latino descent in gnomAD. Frameshift variants in MYO15A are expected to be pathogenic. This variant is interpreted as likely pathogenic.

Labcorp Genetics (formerly Invitae), Labcorp
Classification: Pathogenic. Last evaluated: 2024-06-22. Review status: criteria provided, single submitter. Criteria: Invitae Variant Classification Sherloc (09022015). Collection method: clinical testing. Allele origin: germline.
Comment: This sequence change creates a premature translational stop signal (p.Arg192Profs*36) in the MYO15A gene. It is expected to result in an absent or disrupted protein product. Loss-of-function variants in MYO15A are known to be pathogenic (PMID: 17546645). This variant is present in population databases (no rsID available, gnomAD 0.02%). This variant has not been reported in the literature in individuals affected with MYO15A-related conditions. For these reasons, this variant has been classified as Pathogenic.

Literature cited by the submitters: PubMed 17546645 (cited by Labcorp Genetics (formerly Invitae), Labcorp).

NM_016239.4(MYO15A):c.574dup (p.Arg192fs)

Gene: MYO15A (myosin XVA; plus strand). Cytogenetic location: 17p11.2.
Variant type: Duplication.
Coding change: c.574dup on transcript NM_016239.4 (MANE Select); coding-DNA position 574, one base duplicated (C; older notation c.574dupC).
Protein change: p.Arg192fs; shifts the reading frame from arginine 192.
Molecular consequence: frameshift variant.
Genome position (GRCh38, 1-based): chr17:18,119,374, C duplicated; the last of 5 consecutive C bases (chr17:18,119,370-18,119,374); duplicating any one gives the same sequence. VCF-style (leftmost placement, unchanged base first): chr17-18119369-T-TC. GRCh37 (hg19) VCF-style: chr17-18022683-T-TC.
Other names: c.574dupC (NM_016239.3); short protein forms R192fs.
Identifiers: ClinVar variation 3003985 (VCV003003985.4), dbSNP rs1359244955, ClinGen allele CA625314993.